The following is an entry in ClinVar:

NM_003185.4(TAF4):c.620C>G (p.Ser207Trp)

Gene: TAF4 (TATA-box binding protein associated factor 4; minus strand). Cytogenetic location: 20q13.33.
Variant type: single nucleotide variant.
Coding change: c.620C>G on transcript NM_003185.4 (MANE Select); coding-DNA position 620, C replaced by G.
Protein change: p.Ser207Trp; replaces serine 207 with tryptophan.
Molecular consequence: missense variant.
Genome position (GRCh38, 1-based): chr20:62,065,191, G>C on the plus strand (C>G on the coding strand, the complement: TAF4 is on the minus strand). VCF-style: chr20-62065191-G-C. GRCh37 (hg19) VCF-style: chr20-60640247-G-C.
Other names: short protein forms S207W.
Identifiers: ClinVar variation 4883703 (VCV004883703.2).
Genomic context (GRCh38, chr20:62,065,191, plus strand): 5'-GGCAGCAGCGCGGCGGGCCCGTTGTTGACCAGGCTGACAGCAGGTGCGGCGGCGTGGTGC[G>C]AGTTCAGCAGCGCGGCGCTCCCATTCAAAGTTTGCGCGGCGCCGGGGCCGGCGGGCTTGC-3'
Protein context (NP_003176.2, residues 197-217): TLNGSAALLN[Ser207Trp]HHAAAPAVSL

ClinVar aggregate classification (germline): Uncertain significance (1 of 4 stars; one submission).

Conditions:
Intellectual developmental disorder, autosomal dominant 73 (MRD73). Also called: TAF4-RELATED NDD; TAF4-RELATED NEURODEVELOPMENTAL DISORDER. Identifiers: MedGen C5830636, MONDO:0957536, OMIM 620450.

gnomAD v4.1: 1 of 1,202,154 alleles (0.000083%); highest among the groups gnomAD compares: Non-Finnish European, 0.00011%; no homozygotes.

Submission:

Dasa
Classification: Uncertain significance for Intellectual developmental disorder, autosomal dominant 73. Last evaluated: 2026-02-04. Review status: criteria provided, single submitter. Criteria: DASA Assertion Criteria. Collection method: clinical testing. Allele origin: germline.
Comment: NM_003185.4(TAF4):c.620C>G (p.Ser207Trp) is a missense variant that results in the substitution of serine with tryptophan. This variant is rare in population databases. Computational prediction algorithms are consistent with a benign effect. The currently available literature and clinical evidence are not sufficient to establish a definitive association between this variant and the reported condition. Therefore, this variant is classified as a variant of uncertain significance.